The following is an entry in ClinVar:

ClinVar aggregate classification (germline): Pathogenic (1 of 4 stars; one submission).

Conditions:
Aniridia 1 (AN1). Identifiers: Orphanet 250923, MedGen C0344542, MONDO:0024507, OMIM 106210.
Irido-corneo-trabecular dysgenesis (ASGD5). Also called: ANTERIOR SEGMENT DYSGENESIS 5. Identifiers: Orphanet 708, MedGen C0344559, MONDO:0011414, OMIM 604229, HP:0000659.

Submission:

Labcorp Genetics (formerly Invitae), Labcorp
Classification: Pathogenic for Aniridia 1; Irido-corneo-trabecular dysgenesis. Last evaluated: 2022-06-10. Review status: criteria provided, single submitter. Criteria: Invitae Variant Classification Sherloc (09022015). Collection method: clinical testing. Allele origin: germline.
Comment: This sequence change creates a premature translational stop signal (p.Cys40Alafs*14) in the PAX6 gene. It is expected to result in an absent or disrupted protein product. Loss-of-function variants in PAX6 are known to be pathogenic (PMID: 12634864). For these reasons, this variant has been classified as Pathogenic. This variant has not been reported in the literature in individuals affected with PAX6-related conditions. This variant is not present in population databases (gnomAD no frequency).

Literature cited by the submitters: PubMed 12634864.

NM_001368894.2(PAX6):c.117del (p.Cys40fs)

Gene: PAX6 (paired box 6; minus strand). Cytogenetic location: 11p13.
Variant type: Deletion.
Coding change: c.117del on transcript NM_001368894.2 (MANE Select); coding-DNA position 117, one base deleted (G; older notation c.117delG).
Protein change: p.Cys40fs; shifts the reading frame from cysteine 40.
Molecular consequence: frameshift variant. On other transcripts: 5 prime UTR variant (12), non-coding transcript variant (2), intron variant (2).
Genome position (GRCh38, 1-based): chr11:31,802,728, C deleted on the plus strand (G on the coding strand, the reverse complement: PAX6 is on the minus strand). VCF-style (leftmost placement, unchanged base first): chr11-31802727-AC-A. GRCh37 (hg19) VCF-style: chr11-31824275-AC-A.
Other names: c.117del, p.Cys40fs (NM_000280.6, NM_001127612.3, NM_001258462.3 and 30 more transcripts); c.-665del (NM_001310160.2, NM_001368905.2); c.-334del (NM_001310161.3, NM_001368900.2, NM_001368903.2 and 2 more transcripts); c.-292del (NM_001368899.2, NM_001368901.2, NM_001368906.2 and 1 more transcripts); c.-623del (NM_001368902.2); c.360del, p.Cys121fs (NM_001368910.2); c.120del, p.Cys41fs (NM_001368911.2); c.-267-952del (NM_001368909.2, NM_001368904.2); short protein forms C121fs, C41fs, C40fs.
Identifiers: ClinVar variation 2100031 (VCV002100031.4), dbSNP rs2496289320, ClinGen allele CA2580084050.